The following is an entry in ClinVar:

ClinVar aggregate classification (germline): Uncertain significance (1 of 4 stars; one submission).

Submission:

GeneDx
Classification: Uncertain significance. Last evaluated: 2025-02-19. Review status: criteria provided, single submitter. Criteria: GeneDx Variant Classification Process June 2021. Collection method: clinical testing. Allele origin: germline. Affected: yes.
Comment: Not observed at significant frequency in large population cohorts (gnomAD); Missense variants in this gene are a common cause of disease and they are underrepresented in the general population; In silico analysis supports that this missense variant has a deleterious effect on protein structure/function; Has not been previously published as pathogenic or benign to our knowledge; This variant is associated with the following publications: (PMID: 29493581)

NM_002834.5(PTPN11):c.1484A>G (p.Gln495Arg)

Gene: PTPN11 (protein tyrosine phosphatase non-receptor type 11; plus strand). Cytogenetic location: 12q24.13.
Variant type: single nucleotide variant.
Coding change: c.1484A>G on transcript NM_002834.5 (MANE Select); coding-DNA position 1484, A replaced by G.
Protein change: p.Gln495Arg; replaces glutamine 495 with arginine.
Molecular consequence: missense variant.
Genome position (GRCh38, 1-based): chr12:112,489,060, A>G. VCF-style: chr12-112489060-A-G. GRCh37 (hg19) VCF-style: chr12-112926864-A-G.
Other names: c.1496A>G, p.Gln499Arg (NM_001330437.2); c.1481A>G, p.Gln494Arg (NM_001374625.1); short protein forms Q494R, Q495R, Q499R.
Identifiers: ClinVar variation 1305520 (VCV001305520.4), dbSNP rs2135916200, ClinGen allele CA386779774.